The following is an entry in ClinVar:

ClinVar aggregate classification (germline): Uncertain significance (1 of 4 stars; one submission).

Conditions:
Hereditary cancer-predisposing syndrome. Also called: Hereditary Cancer Syndrome; Neoplastic Syndromes, Hereditary; Tumor predisposition; Hereditary neoplastic syndrome. Identifiers: Orphanet 140162, MedGen C0027672, MeSH D009386, MONDO:0015356.

Allele frequency attached by ClinVar (database versions not stated): TOPMed below 0.00001.
gnomAD v4.1: 3 of 1,587,322 alleles (0.00019%); highest among the groups gnomAD compares: Non-Finnish European, 0.00026%; no homozygotes.

Submission:

Ambry Genetics
Classification: Uncertain significance for Hereditary cancer-predisposing syndrome. Last evaluated: 2024-08-03. Review status: criteria provided, single submitter. Criteria: Ambry Variant Classification Scheme 2023. Collection method: clinical testing. Allele origin: germline.
Comment: The p.A16G variant (also known as c.47C>G), located in coding exon 1 of the EPCAM gene, results from a C to G substitution at nucleotide position 47. The alanine at codon 16 is replaced by glycine, an amino acid with similar properties. This amino acid position is conserved. In addition, this alteration is predicted to be tolerated by in silico analysis. Since supporting evidence is limited at this time, the clinical significance of this alteration remains unclear.

NM_002354.3(EPCAM):c.47C>G (p.Ala16Gly)

Gene: EPCAM (epithelial cell adhesion molecule; plus strand). Cytogenetic location: 2p21.
Variant type: single nucleotide variant.
Coding change: c.47C>G on transcript NM_002354.3 (MANE Select); coding-DNA position 47, C replaced by G.
Protein change: p.Ala16Gly; replaces alanine 16 with glycine.
Molecular consequence: missense variant.
Genome position (GRCh38, 1-based): chr2:47,369,552, C>G. VCF-style: chr2-47369552-C-G. GRCh37 (hg19) VCF-style: chr2-47596691-C-G.
Other names: short protein forms A16G.
Identifiers: ClinVar variation 1743177 (VCV001743177.3), dbSNP rs1228140225, ClinGen allele CA346721407.
Genomic context (GRCh38, chr2:47,369,552, plus strand): 5'-GGCGCGCGCGCAGCATGGCGCCCCCGCAGGTCCTCGCGTTCGGGCTTCTGCTTGCCGCGG[C>G]GACGGCGACTTTTGCCGCAGCTCAGGAAGGTGAGGCGCGGATTGGAGCAGAGTTGTGGAG-3'
Protein context (NP_002345.2, residues 6-26): VLAFGLLLAA[Ala16Gly]TATFAAAQEE